The following is an entry in ClinVar:

ClinVar aggregate classification (germline): Uncertain significance (1 of 4 stars; one submission).

Conditions:
Gorlin syndrome. Also called: Nevoid Basal Cell Carcinoma Syndrome; Basal cell nevus syndrome. Identifiers: Orphanet 377, MedGen C0004779, MONDO:0007187.

Submission:

Labcorp Genetics (formerly Invitae), Labcorp
Classification: Uncertain significance for Gorlin syndrome. Last evaluated: 2021-07-15. Review status: criteria provided, single submitter. Criteria: Invitae Variant Classification Sherloc (09022015). Collection method: clinical testing. Allele origin: germline.
Comment: This variant has not been reported in the literature in individuals affected with PTCH1-related conditions. This variant is not present in population databases (ExAC no frequency). This variant, c.3059_3082del, results in the deletion of 8 amino acid(s) of the PTCH1 protein (p.Gln1020_Trp1027del), but otherwise preserves the integrity of the reading frame. Experimental studies and prediction algorithms are not available or were not evaluated, and the functional significance of this variant is currently unknown. In summary, the available evidence is currently insufficient to determine the role of this variant in disease. Therefore, it has been classified as a Variant of Uncertain Significance.

NM_000264.5(PTCH1):c.3059_3082del (p.Gln1020_Trp1027del)

Gene: PTCH1 (patched 1; minus strand). Cytogenetic location: 9q22.32.
Variant type: Deletion.
Coding change: c.3059_3082del on transcript NM_000264.5 (MANE Select); coding-DNA positions 3059 to 3082, 24 bases deleted (AGTACATCGGCCTCCGCCACTGGC).
Protein change: p.Gln1020_Trp1027del.
Molecular consequence: inframe deletion. On other transcripts: non-coding transcript variant (1).
Genome position (GRCh38, 1-based): chr9:95,458,099-95,458,122, GCCAGTGGCGGAGGCCGATGTACT deleted on the plus strand (AGTACATCGGCCTCCGCCACTGGC on the coding strand, the reverse complement: PTCH1 is on the minus strand); deleting any 24 consecutive bases within chr9:95,458,099-95,458,124 gives the same sequence; the c. name uses the placement nearest the transcript's 3' end. VCF-style (leftmost placement, unchanged base first): chr9-95458098-AGCCAGTGGCGGAGGCCGATGTACT-A. GRCh37 (hg19) VCF-style: chr9-98220380-AGCCAGTGGCGGAGGCCGATGTACT-A.
Other names: c.2861_2884del, p.Gln954_Trp961del (NM_001083602.3); c.3056_3079del, p.Gln1019_Trp1026del (NM_001083603.3); c.2606_2629del, p.Gln869_Trp876del (NM_001083604.3, NM_001083605.3, NM_001083606.3 and 1 more transcripts); c.2903_2926del, p.Gln968_Trp975del (NM_001354918.2).
Identifiers: ClinVar variation 1460690 (VCV001460690.8), dbSNP rs2136660602, ClinGen allele CA2573144903.
Genomic context (GRCh38, chr9:95,458,098, plus strand): 5'-AGAAGGAAGACAGCGCACACGAGGAATGTGCAGGCCAACACCACGCTGATGAACAGCAGC[AGCCAGTGGCGGAGGCCGATGTACT>A]GCTCCCAGAAGAGGAAGGGGTAGCCGTTGGGGTAACTGGACAGCCCCAGGCTCGTATAGT-3'